The following is an entry in ClinVar:

NM_020706.2(SCAF4):c.2020C>G (p.Pro674Ala)

Gene: SCAF4 (SR-related CTD associated factor 4; minus strand). Cytogenetic location: 21q22.11.
Variant type: single nucleotide variant.
Coding change: c.2020C>G on transcript NM_020706.2 (MANE Select); coding-DNA position 2020, C replaced by G.
Protein change: p.Pro674Ala; replaces proline 674 with alanine.
Molecular consequence: missense variant.
Genome position (GRCh38, 1-based): chr21:31,688,330, G>C on the plus strand (C>G on the coding strand, the complement: SCAF4 is on the minus strand). VCF-style: chr21-31688330-G-C. GRCh37 (hg19) VCF-style: chr21-33060643-G-C.
Other names: c.1975C>G, p.Pro659Ala (NM_001145444.1); c.2020C>G, p.Pro674Ala (NM_001145445.1); short protein forms P659A, P674A.
Identifiers: ClinVar variation 3723693 (VCV003723693.2).

ClinVar aggregate classification (germline): Uncertain significance (1 of 4 stars; one submission).

Submission:

Labcorp Genetics (formerly Invitae), Labcorp
Classification: Uncertain significance. Last evaluated: 2024-10-23. Review status: criteria provided, single submitter. Criteria: Invitae Variant Classification Sherloc (09022015). Collection method: clinical testing. Allele origin: germline.
Comment: This sequence change replaces proline, which is neutral and non-polar, with alanine, which is neutral and non-polar, at codon 674 of the SCAF4 protein (p.Pro674Ala). This variant is not present in population databases (gnomAD no frequency). This variant has not been reported in the literature in individuals affected with SCAF4-related conditions. Experimental studies and prediction algorithms are not available or were not evaluated, and the functional significance of this variant is currently unknown. In summary, the available evidence is currently insufficient to determine the role of this variant in disease. Therefore, it has been classified as a Variant of Uncertain Significance.